The following is an entry in ClinVar:

ClinVar aggregate classification (germline): Likely benign. Review status: criteria provided, multiple submitters, no conflicts (2 of 4 stars). 3 submissions from 3 submitters: Likely benign (3). Last evaluated 2026-09-18.

Conditions:
Thrombophilia due to protein C deficiency, autosomal dominant. Also called: PROC DEFICIENCY, AUTOSOMAL DOMINANT; PROTEIN C DEFICIENCY, AUTOSOMAL DOMINANT. Identifiers: Orphanet 745, MedGen C2674321, MONDO:0008316, OMIM 176860. Disease mechanism: loss of function.
Thrombophilia due to protein C deficiency, autosomal recessive. Also called: PROC DEFICIENCY, AUTOSOMAL RECESSIVE; PROTEIN C DEFICIENCY, AUTOSOMAL RECESSIVE. Identifiers: Orphanet 745, MedGen C2676759, MONDO:0012860, OMIM 612304.
PROC-related disorder. Also called: PROC-related condition.

Allele frequency attached by ClinVar (database versions not stated): ESP Exome Variant Server 0.00008; TOPMed 0.00015; gnomAD exomes 0.00029 and 0.00036; gnomAD 0.00016 and 0.00018; ExAC 0.00028.
gnomAD v4.1: 549 of 1,612,456 alleles (0.034%); highest among the groups gnomAD compares: South Asian, 0.15%; 2 homozygotes.

Submissions (3):

PreventionGenetics, part of Exact Sciences
Classification: Likely benign for PROC-related condition. Last evaluated: 2026-09-18. Review status: criteria provided, single submitter. Criteria: ACMG Guidelines, 2015. Collection method: clinical testing. Allele origin: germline.
Comment: This variant is classified as likely benign based on ACMG/AMP sequence variant interpretation guidelines (Richards et al. 2015 PMID: 25741868, with internal and published modifications).

Labcorp Genetics (formerly Invitae), Labcorp
Classification: Likely benign for Thrombophilia due to protein C deficiency, autosomal dominant. Last evaluated: 2025-08-17. Review status: criteria provided, single submitter. Criteria: Invitae Variant Classification Sherloc (09022015). Collection method: clinical testing. Allele origin: germline.

Fulgent Genetics
Classification: Likely benign for Thrombophilia due to protein C deficiency, autosomal dominant; Thrombophilia due to protein C deficiency, autosomal recessive. Last evaluated: 2021-10-08. Review status: criteria provided, single submitter. Criteria: ACMG Guidelines, 2015. Collection method: clinical testing. Allele origin: unknown.

NM_000312.4(PROC):c.1212G>A (p.Gly404=)

Gene: PROC (protein C, inactivator of coagulation factors Va and VIIIa; plus strand). Cytogenetic location: 2q14.3.
Variant type: single nucleotide variant.
Coding change: c.1212G>A on transcript NM_000312.4 (MANE Select); coding-DNA position 1212, G replaced by A.
Protein change: p.Gly404=; no amino-acid change (glycine 404 retained).
Molecular consequence: synonymous variant.
Genome position (GRCh38, 1-based): chr2:127,428,772, G>A. VCF-style: chr2-127428772-G-A. GRCh37 (hg19) VCF-style: chr2-128186348-G-A.
Other names: c.1395G>A, p.Gly465= (NM_001375602.1); c.1377G>A, p.Gly459= (NM_001375603.1); c.1275G>A, p.Gly425= (NM_001375604.1); c.1314G>A, p.Gly438= (NM_001375605.1); c.1380G>A, p.Gly460= (NM_001375606.1); c.1398G>A, p.Gly466= (NM_001375607.1); c.1155G>A, p.Gly385= (NM_001375608.1); c.1188G>A, p.Gly396= (NM_001375609.1); and 2 more.
Identifiers: ClinVar variation 536975 (VCV000536975.13), dbSNP rs370637632, ClinGen allele CA1859546.